The following is an entry in ClinVar:

NM_001127222.2(CACNA1A):c.5670C>T (p.Val1890=)

Gene: CACNA1A (calcium voltage-gated channel subunit alpha1 A; minus strand). Cytogenetic location: 19p13.13.
Variant type: single nucleotide variant.
Coding change: c.5670C>T on transcript NM_001127222.2 (MANE Select); coding-DNA position 5670, C replaced by T.
Protein change: p.Val1890=; no amino-acid change (valine 1890 retained).
Molecular consequence: synonymous variant.
Genome position (GRCh38, 1-based): chr19:13,224,728, G>A on the plus strand (C>T on the coding strand, the complement: CACNA1A is on the minus strand). VCF-style: chr19-13224728-G-A. GRCh37 (hg19) VCF-style: chr19-13335542-G-A.
Other names: c.5688C>T, p.Val1896= (NM_000068.4, NM_023035.3); c.5673C>T, p.Val1891= (NM_001127221.2); c.5679C>T, p.Val1893= (NM_001174080.2).
Identifiers: ClinVar variation 509228 (VCV000509228.1), dbSNP rs1044642598, ClinGen allele CA305559011.

ClinVar aggregate classification (germline): Likely benign (1 of 4 stars; one submission).

Allele frequency attached by ClinVar (database versions not stated): TOPMed below 0.00001.

Submission:

GeneDx
Classification: Likely benign. Last evaluated: 2017-04-26. Review status: criteria provided, single submitter. Criteria: GeneDx Variant Classification (06012015). Collection method: clinical testing. Allele origin: germline. Affected: yes.
Comment: This variant is considered likely benign or benign based on one or more of the following criteria: it is a conservative change, it occurs at a poorly conserved position in the protein, it is predicted to be benign by multiple in silico algorithms, and/or has population frequency not consistent with disease.